The following is an entry in ClinVar:

ClinVar aggregate classification (germline): Likely benign. Review status: criteria provided, multiple submitters, no conflicts (2 of 4 stars). 5 submissions from 5 submitters: Likely benign (4). 1 of the submissions does not count toward it. Last evaluated 2026-01-30.

Conditions:
CACNA2D4-related disorder. Also called: CACNA2D4-related condition.
Retinal cone dystrophy 4 (RCD4). Identifiers: Orphanet 1872, MedGen C1864849, MONDO:0012507, OMIM 610478.

Allele frequency attached by ClinVar (database versions not stated): ESP Exome Variant Server 0.00008; gnomAD exomes 0.00050 and 0.00281; ExAC 0.00055; gnomAD 0.00060 and 0.00064; 1000 Genomes Project 0.00100; 1000 Genomes Project 30x 0.00109; TOPMed 0.00133.
gnomAD v4.1: 791 of 1,553,586 alleles (0.051%); highest among the groups gnomAD compares: Admixed American, 1.2%; 9 homozygotes.

Submissions (5):

Labcorp Genetics (formerly Invitae), Labcorp
Classification: Likely benign. Last evaluated: 2026-01-30. Review status: criteria provided, single submitter. Criteria: Invitae Variant Classification Sherloc (09022015). Collection method: clinical testing. Allele origin: germline.

Illumina Laboratory Services, Illumina
Classification: Likely benign for Retinal cone dystrophy 4. Last evaluated: 2018-01-13. Review status: criteria provided, single submitter. Criteria: ICSL Variant Classification Criteria 13 December 2019. Collection method: clinical testing. Allele origin: germline.
Comment: This variant was observed in the ICSL laboratory as part of a predisposition screen in an ostensibly healthy population. It had not been previously curated by ICSL or reported in the Human Gene Mutation Database (HGMD: prior to June 1st, 2018), and was therefore a candidate for classification through an automated scoring system. Utilizing variant allele frequency, disease prevalence and penetrance estimates, and inheritance mode, an automated score was calculated to assess if this variant is too frequent to cause the disease. Based on the score and internal cut-off values, a variant classified as likely benign is not then subjected to further curation. The score for this variant resulted in a classification of likely benign for this disease.

Eurofins Ntd Llc (ga)
Classification: Likely benign. Last evaluated: 2017-02-09. Review status: criteria provided, single submitter. Criteria: EGL Classification Definitions 2015. Collection method: clinical testing. Allele origin: germline. Observed: 1 variant allele, 1 heterozygote.

Breakthrough Genomics
Classification: Likely benign. Review status: criteria provided, single submitter. Criteria: ACMG Guidelines, 2015. Collection method: not provided. Allele origin: germline. Inheritance: Autosomal recessive inheritance. Affected: yes.

PreventionGenetics, part of Exact Sciences
Classification: Benign for CACNA2D4-related condition. Last evaluated: 2019-08-09. Review status: no assertion criteria provided. Collection method: clinical testing. Allele origin: germline. Not counted in ClinVar's aggregate classification.
Comment: This variant is classified as benign based on ACMG/AMP sequence variant interpretation guidelines (Richards et al. 2015 PMID: 25741868, with internal and published modifications).

NM_172364.5(CACNA2D4):c.2649C>T (p.Cys883=)

Gene: CACNA2D4 (calcium voltage-gated channel auxiliary subunit alpha2delta 4; minus strand). Cytogenetic location: 12p13.33.
Variant type: single nucleotide variant.
Coding change: c.2649C>T on transcript NM_172364.5 (MANE Select); coding-DNA position 2649, C replaced by T.
Protein change: p.Cys883=; no amino-acid change (cysteine 883 retained).
Molecular consequence: synonymous variant.
Genome position (GRCh38, 1-based): chr12:1,810,552, G>A on the plus strand (C>T on the coding strand, the complement: CACNA2D4 is on the minus strand). VCF-style: chr12-1810552-G-A. GRCh37 (hg19) VCF-style: chr12-1919718-G-A.
Identifiers: ClinVar variation 196146 (VCV000196146.22), dbSNP rs184770223, ClinGen allele CA242992.